The following is an entry in ClinVar:

NM_004006.3(DMD):c.9286+2T>G

Gene: DMD (dystrophin; minus strand). Cytogenetic location: Xp21.2.
Variant type: single nucleotide variant.
Coding change: c.9286+2T>G on transcript NM_004006.3 (MANE Select); the canonical splice donor site of the intron after coding-DNA position 9286, T replaced by G.
Molecular consequence: splice donor variant.
Genome position (GRCh38, 1-based): chrX:31,260,953, A>C on the plus strand (T>G on the coding strand, the complement: DMD is on the minus strand). VCF-style: chrX-31260953-A-C. GRCh37 (hg19) VCF-style: chrX-31279070-A-C.
Other names: c.9262+2T>G (NM_000109.4); c.5263+2T>G (NM_004011.4); c.5254+2T>G (NM_004012.4); c.1906+2T>G (NM_004023.3, NM_004020.4, NM_004022.3 and 2 more transcripts); c.1099+2T>G (NM_004014.3); c.82+2T>G (NM_004018.3, NM_004017.3, NM_004016.3 and 2 more transcripts); c.9274+2T>G (NM_004009.3); c.8917+2T>G (NM_004010.3).
Identifiers: ClinVar variation 2826704 (VCV002826704.3), dbSNP rs2519147078, ClinGen allele CA412652421.

ClinVar aggregate classification (germline): Likely pathogenic (1 of 4 stars; one submission).

Conditions:
Duchenne muscular dystrophy (DMD). Also called: MUSCULAR DYSTROPHY, PSEUDOHYPERTROPHIC PROGRESSIVE, DUCHENNE TYPE; Duchenne Muscular Dystrophy (DMD). Identifiers: Orphanet 98896, MedGen C0013264, MONDO:0010679, OMIM 310200.

Submission:

Labcorp Genetics (formerly Invitae), Labcorp
Classification: Likely pathogenic for Duchenne muscular dystrophy. Last evaluated: 2023-01-07. Review status: criteria provided, single submitter. Criteria: Invitae Variant Classification Sherloc (09022015). Collection method: clinical testing. Allele origin: germline.
Comment: This variant is not present in population databases (gnomAD no frequency). This sequence change affects a donor splice site in intron 63 of the DMD gene. It is expected to disrupt RNA splicing. Variants that disrupt the donor or acceptor splice site typically lead to a loss of protein function (PMID: 16199547), and loss-of-function variants in DMD are known to be pathogenic (PMID: 16770791, 25007885). In summary, the currently available evidence indicates that the variant is pathogenic, but additional data are needed to prove that conclusively. Therefore, this variant has been classified as Likely Pathogenic. Algorithms developed to predict the effect of sequence changes on RNA splicing suggest that this variant may disrupt the consensus splice site. Disruption of this splice site has been observed in individual(s) with clinical features of DMD-related disorders (PMID: 10612827; Invitae).

Literature cited by the submitters: PubMed 16199547; PubMed 16770791; PubMed 25007885; PubMed 10612827.